The following is an entry in ClinVar:

NM_001330078.2(NRXN1):c.813C>T (p.Gly271=)

Gene: NRXN1 (neurexin 1; minus strand). Cytogenetic location: 2p16.3.
Variant type: single nucleotide variant.
Coding change: c.813C>T on transcript NM_001330078.2 (MANE Select); coding-DNA position 813, C replaced by T.
Protein change: p.Gly271=; no amino-acid change (glycine 271 retained).
Molecular consequence: synonymous variant. On other transcripts: intron variant (4).
Genome position (GRCh38, 1-based): chr2:50,922,665, G>A on the plus strand (C>T on the coding strand, the complement: NRXN1 is on the minus strand). VCF-style: chr2-50922665-G-A. GRCh37 (hg19) VCF-style: chr2-51149803-G-A.
Other names: c.912C>T (NM_001135659.1); c.912C>T, p.Gly304= (NM_001135659.3); c.813C>T, p.Gly271= (NM_001330077.2, NM_001330081.2, NM_001330082.2 and 6 more transcripts); c.810C>T, p.Gly270= (NM_001330079.2, NM_001330093.2); c.795C>T, p.Gly265= (NM_001330088.2, NM_001330089.2); c.772+104837C>T (NM_001330096.2, NM_001330087.2, NM_001330083.2 and 1 more transcripts).
Identifiers: ClinVar variation 2178873 (VCV002178873.6), dbSNP rs56161058, ClinGen allele CA48023381.
Genomic context (GRCh38, chr2:50,922,665, plus strand): 5'-CTACAGAACAAGAAAACACTGAAAGCAGAGTGGAAAAGGAACAGAGCCCATACCTTGGTC[G>A]CCCATCATCAGGTGCGCCAGACCTTGAAGGGAAACAAGAGCACAGTCAGCAATAAACAAG-3'
Protein context (NP_001317007.1, residues 261-281): NVEGLAHLMM[Gly271=]DQGKSKGKEE

ClinVar aggregate classification (germline): Conflicting classifications of pathogenicity. Review status: criteria provided, conflicting classifications (1 of 4 stars). 2 submissions from 2 submitters: Uncertain significance (1); Likely benign (1). Last evaluated 2026-01-15.

Conditions:
Pitt-Hopkins-like syndrome 2 (PTHSL2). Identifiers: Orphanet 221150, Orphanet 600663, MedGen C3280479, MONDO:0013690, OMIM 614325.

Allele frequency attached by ClinVar (database versions not stated): gnomAD 0.00003; TOPMed 0.00002; gnomAD exomes 0.00007.
gnomAD v4.1: 107 of 1,610,072 alleles (0.0066%); highest among the groups gnomAD compares: East Asian, 0.009%; no homozygotes.

Submissions (2):

GeneDx
Classification: Uncertain significance. Last evaluated: 2026-01-15. Review status: criteria provided, single submitter. Criteria: GeneDx Variant Classification Process June 2021. Collection method: clinical testing. Allele origin: germline.
Comment: This variant is associated with the following publications: (PMID: 18179900)

Labcorp Genetics (formerly Invitae), Labcorp
Classification: Likely benign for Pitt-Hopkins-like syndrome 2. Last evaluated: 2023-08-24. Review status: criteria provided, single submitter. Criteria: Invitae Variant Classification Sherloc (09022015). Collection method: clinical testing. Allele origin: germline.